The following is an entry in ClinVar:

NM_199242.3(UNC13D):c.227C>T (p.Thr76Met)

Gene: UNC13D (unc-13 homolog D; minus strand). Cytogenetic location: 17q25.1.
Variant type: single nucleotide variant.
Coding change: c.227C>T on transcript NM_199242.3 (MANE Select); coding-DNA position 227, C replaced by T.
Protein change: p.Thr76Met; replaces threonine 76 with methionine.
Molecular consequence: missense variant.
Genome position (GRCh38, 1-based): chr17:75,843,193, G>A on the plus strand (C>T on the coding strand, the complement: UNC13D is on the minus strand). VCF-style: chr17-75843193-G-A. GRCh37 (hg19) VCF-style: chr17-73839274-G-A.
Other names: short protein forms T76M.
Identifiers: ClinVar variation 533092 (VCV000533092.19), dbSNP rs78028658, ClinGen allele CA8773582.

ClinVar aggregate classification (germline): Conflicting classifications of pathogenicity. Review status: criteria provided, conflicting classifications (1 of 4 stars). 5 submissions from 5 submitters: Uncertain significance (3); Likely benign (2). Last evaluated 2026-05-01.

Conditions:
Familial hemophagocytic lymphohistiocytosis 3 (FHL3). Also called: UNC13D-Related Familial Hemophagocytic Lymphohistiocytosis (UNC13D-fHLH). Identifiers: Orphanet 540, MedGen C1837174, MONDO:0012146, OMIM 608898.

Allele frequency attached by ClinVar (database versions not stated): gnomAD exomes 0.00040; ExAC 0.00050; 1000 Genomes Project 0.00100; gnomAD 0.00139 and 0.00153; 1000 Genomes Project 30x 0.00156; TOPMed 0.00174; ESP Exome Variant Server 0.00231.
gnomAD v4.1: 457 of 1,612,278 alleles (0.028%); highest among the groups gnomAD compares: African/African-American, 0.53%; 1 homozygote.

Submissions (5):

CeGaT Center for Human Genetics Tuebingen
Classification: Uncertain significance. Last evaluated: 2026-05-01. Review status: criteria provided, single submitter. Criteria: CeGaT Center For Human Genetics Tuebingen Variant Classification Criteria Version 2. Collection method: clinical testing. Allele origin: germline. Affected: yes. Observed: 1 variant allele.
Comment: UNC13D: PM2, PS3:Supporting, BP4

Labcorp Genetics (formerly Invitae), Labcorp
Classification: Likely benign for Familial hemophagocytic lymphohistiocytosis 3. Last evaluated: 2026-01-31. Review status: criteria provided, single submitter. Criteria: Invitae Variant Classification Sherloc (09022015). Collection method: clinical testing. Allele origin: germline.

Women's Health and Genetics/Laboratory Corporation of America, LabCorp
Classification: Likely benign. Last evaluated: 2022-03-06. Review status: criteria provided, single submitter. Criteria: LabCorp Variant Classification Summary - May 2015. Collection method: clinical testing. Allele origin: germline.
Comment: Variant summary: UNC13D c.227C>T (p.Thr76Met) results in a non-conservative amino acid change in the encoded protein sequence. Four of five in-silico tools predict a benign effect of the variant on protein function. The variant allele was found at a frequency of 0.0004 in 249760 control chromosomes, predominantly at a frequency of 0.0058 within the African or African-American subpopulation in the gnomAD database. The observed variant frequency within African or African-American control individuals in the gnomAD database is approximately 2 fold of the estimated maximal expected allele frequency for a pathogenic variant in UNC13D causing Familial Hemophagocytic Lymphohistiocytosis phenotype (0.0027), strongly suggesting that the variant is a benign polymorphism found primarily in populations of African or African-American origin. Although reported in the literature, to our knowledge (example, PMID 24916509), no penetrant association of c.227C>T in individuals affected with Familial Hemophagocytic Lymphohistiocytosis and no experimental evidence demonstrating its impact on protein function have been reported. Three clinical diagnostic laboratories have submitted clinical-significance assessments for this variant to ClinVar after 2014 without evidence for independent evaluation. Based on the evidence outlined above, the variant was classified as likely benign.

GeneDx
Classification: Uncertain significance. Last evaluated: 2021-11-02. Review status: criteria provided, single submitter. Criteria: GeneDx Variant Classification Process June 2021. Collection method: clinical testing. Allele origin: germline. Affected: yes.
Comment: Reported previously in the single heterozygous state in an individual with familial hemophagocytic lymphohistiocytosis who was also heterozygous for a variant in the PRF1 gene (Zhang et al., 2014); additional phenotypic details and familial segregation studies were not provided; In silico analysis supports that this missense variant does not alter protein structure/function; This variant is associated with the following publications: (PMID: 24916509)

Center for Genomics, Ann and Robert H. Lurie Children's Hospital of Chicago
Classification: Uncertain significance for Familial hemophagocytic lymphohistiocytosis 3. Last evaluated: 2021-03-30. Review status: criteria provided, single submitter. Criteria: ACMG Guidelines, 2015. Collection method: clinical testing. Allele origin: germline.
Comment: UNC13D NM_199242 exon 3 p.Thr76Met (c.227C>T): This variant has been reported in the literature in 1 individual with a clinical suspicion of familial hemophagocytic lymphohistiocytosis (FHL) (Zhang 2014 PMID:24916509). This variant is present in 0.5% (129/23948) of African alleles in the Genome Aggregation Database. Evolutionary conservation and computational predictive tools suggest that this variant may not impact the protein. In summary, data on this variant is insufficient for disease classification. Therefore, the clinical significance of this variant is uncertain.